The following is an entry in ClinVar:

NM_001048174.2(MUTYH):c.1201G>C (p.Gly401Arg)

Gene: MUTYH (mutY DNA glycosylase; minus strand). Cytogenetic location: 1p34.1.
Variant type: single nucleotide variant.
Coding change: c.1201G>C on transcript NM_001048174.2 (MANE Select); coding-DNA position 1201, G replaced by C.
Protein change: p.Gly401Arg; replaces glycine 401 with arginine.
Molecular consequence: missense variant. On other transcripts: non-coding transcript variant (2).
Genome position (GRCh38, 1-based): chr1:45,331,458, C>G on the plus strand (G>C on the coding strand, the complement: MUTYH is on the minus strand). VCF-style: chr1-45331458-C-G. GRCh37 (hg19) VCF-style: chr1-45797130-C-G.
Other names: c.1285G>C, p.Gly429Arg (NM_001128425.2); c.925G>C, p.Gly309Arg (NM_001293196.2, NM_001293192.2); c.856G>C, p.Gly286Arg (NM_001350650.2, NM_001350651.2); c.1201G>C, p.Gly401Arg (NM_001048171.2, NM_001048173.2, NM_001293195.2); c.1204G>C, p.Gly402Arg (NM_001048172.2); c.1246G>C, p.Gly416Arg (NM_001293190.2); c.1234G>C, p.Gly412Arg (NM_001293191.2); c.1276G>C, p.Gly426Arg (NM_012222.3); short protein forms G401R, G416R, G412R, G426R, G429R, G286R, G309R, G402R.
Identifiers: ClinVar variation 818803 (VCV000818803.4), dbSNP rs1570372319, ClinGen allele CA340132894.

ClinVar aggregate classification (germline): Uncertain significance (1 of 4 stars; one submission).

Conditions:
Hereditary cancer-predisposing syndrome. Also called: Tumor predisposition; Hereditary neoplastic syndrome; Neoplastic Syndromes, Hereditary; Hereditary Cancer Syndrome. Identifiers: Orphanet 140162, MedGen C0027672, MeSH D009386, MONDO:0015356.

Submission:

Ambry Genetics
Classification: Uncertain significance for Hereditary cancer-predisposing syndrome. Last evaluated: 2019-07-24. Review status: criteria provided, single submitter. Criteria: Ambry Variant Classification Scheme 2023. Collection method: clinical testing. Allele origin: germline.
Comment: The p.G429R variant (also known as c.1285G>C), located in coding exon 13 of the MUTYH gene, results from a G to C substitution at nucleotide position 1285. The glycine at codon 429 is replaced by arginine, an amino acid with dissimilar properties. This amino acid position is well conserved in available vertebrate species. In addition, this alteration is predicted to be deleterious by in silico analysis. Since supporting evidence is limited at this time, the clinical significance of this alteration remains unclear.